The following is an entry in ClinVar:

ClinVar aggregate classification (germline): Uncertain significance (1 of 4 stars; one submission).

Submission:

Women's Health and Genetics/Laboratory Corporation of America, LabCorp
Classification: Uncertain significance. Last evaluated: 2025-12-17. Review status: criteria provided, single submitter. Criteria: LabCorp Variant Classification Summary - May 2015. Collection method: clinical testing. Allele origin: germline.
Comment: Variant summary: The variant involves the deletion of exons 1-8 in the LMAN2L gene. This deletion includes the entire coding sequence of the gene. As the exact proximal and distal breakpoints are unknown, it may extend beyond the annotated region of the gene to include other flanking genes. A presumed nomenclature of c.(?_-25)_(*1328_?)del has been designated for the purposes of this classification. Current evidence is not sufficient to establish loss of function as a mechanism for disease. The variant was absent in 21694 control chromosomes. The available data on variant occurrences in the general population are insufficient to allow any conclusion about variant significance. To our knowledge, no occurrence of c.(?_-25)_(*1328_?)del in individuals affected with LMAN2L-related conditions and no experimental evidence demonstrating its impact on protein function have been reported. No submitters have cited clinical-significance assessments for this variant to ClinVar. Based on the evidence outlined above, the variant was classified as uncertain significance.

NC_000002.11:g.(?_97371665)_(97405802_?)del

Gene: LMAN2L (lectin, mannose binding 2 like; minus strand). Cytogenetic location: 2q11.2.
Variant type: Deletion.
Identifiers: ClinVar variation 4688236 (VCV004688236.1).